The following is an entry in ClinVar:

NM_000146.4(FTL):c.485_489dup (p.Glu164fs)

Gene: FTL (ferritin light chain; plus strand). Cytogenetic location: 19q13.33.
Variant type: Microsatellite.
Coding change: c.485_489dup on transcript NM_000146.4 (MANE Select); coding-DNA positions 485 to 489, 5 bases duplicated (TGGGC; older notation c.485_489dupTGGGC).
Protein change: p.Glu164fs; shifts the reading frame from glutamic acid 164.
Molecular consequence: frameshift variant.
Genome position (GRCh38, 1-based): chr19:48,966,692-48,966,696, TGGGC duplicated; duplicating any 5 consecutive bases within chr19:48,966,684-48,966,696 gives the same sequence; the c. name uses the placement nearest the transcript's 3' end. VCF-style (leftmost placement, unchanged base first): chr19-48966683-A-AGGCTG. GRCh37 (hg19) VCF-style: chr19-49469940-A-AGGCTG.
Other names: short protein forms E164fs.
Identifiers: ClinVar variation 1320267 (VCV001320267.2), dbSNP rs2122436225, ClinGen allele CA2580614933.

ClinVar aggregate classification (germline): Pathogenic/Likely pathogenic. Review status: criteria provided, multiple submitters, no conflicts (2 of 4 stars). 2 submissions from 2 submitters: Pathogenic (1); Likely pathogenic (1). Last evaluated 2022-01-21.

Conditions:
Neuroferritinopathy (NBIA3). Also called: NEURODEGENERATION WITH BRAIN IRON ACCUMULATION 3; BASAL GANGLIA DISEASE, ADULT-ONSET. Identifiers: Orphanet 157846, MedGen C1853578, MONDO:0011638, OMIM 606159.

Submissions (2):

Institute of Human Genetics Munich, TUM University Hospital
Classification: Pathogenic for Neuroferritinopathy. Last evaluated: 2022-01-21. Review status: criteria provided, single submitter. Criteria: Classification criteria August 2017. Collection method: clinical testing. Allele origin: germline. Inheritance: Autosomal dominant inheritance. Affected: yes. Observed: 1 variant allele.

3billion
Classification: Likely pathogenic for Neuroferritinopathy. Last evaluated: 2021-10-02. Review status: criteria provided, single submitter. Criteria: ACMG Guidelines, 2015. Collection method: clinical testing. Allele origin: germline. Affected: yes. Observed: 1 heterozygote.
Comment: Frameshift: predicted to result in a loss or disruption of normal protein function through protein truncation. Multiple pathogenic variants are reported in the predicted truncated region (PVS1_S). It is not observed in the gnomAD v2.1.1 dataset (PM2). The variant was observed as assumed (i.e. paternity and maternity not confirmed) de novoo (3billion dataset, PM6). Patient's phenotype is considered compatible with Neurodegeneration with brain iron accumulation 3 (3billion dataset, PP4). Therefore, this variant is classified as likely pathogenic according to the recommendation of ACMG/AMP guideline.